The following is an entry in ClinVar:

NM_080732.4(EGLN2):c.166G>A (p.Glu56Lys)

Genes: EGLN2 (egl-9 family hypoxia inducible factor 2; plus strand), RAB4B-EGLN2 (RAB4B-EGLN2 readthrough (NMD candidate); plus strand). Cytogenetic location: 19q13.2.
Variant type: single nucleotide variant.
Coding change: c.166G>A on transcript NM_080732.4 (MANE Select); coding-DNA position 166, G replaced by A.
Protein change: p.Glu56Lys; replaces glutamic acid 56 with lysine.
Molecular consequence: missense variant. On other transcripts: non-coding transcript variant (1).
Genome position (GRCh38, 1-based): chr19:40,800,738, G>A. VCF-style: chr19-40800738-G-A. GRCh37 (hg19) VCF-style: chr19-41306643-G-A.
Other names: c.166G>A, p.Glu56Lys (NM_053046.4); short protein forms E56K.
Identifiers: ClinVar variation 1777659 (VCV001777659.3), dbSNP rs2515992991, ClinGen allele CA405954694.
Genomic context (GRCh38, chr19:40,800,738, plus strand): 5'-GTGGAGAGTTACCTGCCCTGTCCCCTGCTCCCCTCCTACCACTGTCCAGGAGTGCCTAGT[G>A]AGGCCTCGGCAGGGAGTGGGACCCCCAGAGCCACAGCCACCTCTACCACTGCCAGCCCTC-3'
Protein context (NP_542770.2, residues 46-66): PSYHCPGVPS[Glu56Lys]ASAGSGTPRA

ClinVar aggregate classification (germline): Uncertain significance (1 of 4 stars; one submission).

Submission:

Ambry Genetics
Classification: Uncertain significance. Last evaluated: 2024-10-17. Review status: criteria provided, single submitter. Criteria: Ambry Variant Classification Scheme 2023. Collection method: clinical testing. Allele origin: germline.
Comment: The p.E56K variant (also known as c.166G>A), located in coding exon 1 of the EGLN2 gene, results from a G to A substitution at nucleotide position 166. The glutamic acid at codon 56 is replaced by lysine, an amino acid with similar properties. This amino acid position is conserved. In addition, this alteration is predicted to be tolerated by in silico analysis. Since supporting evidence is limited at this time, the clinical significance of this alteration remains unclear.